The following is an entry in ClinVar:

ClinVar aggregate classification (germline): Uncertain significance (1 of 4 stars; one submission).

Allele frequency attached by ClinVar (database versions not stated): TOPMed below 0.00001; ExAC 0.00002.
gnomAD v4.1: 7 of 1,613,458 alleles (0.00043%); highest among the groups gnomAD compares: Admixed American, 0.012%; no homozygotes.

Submission:

Labcorp Genetics (formerly Invitae), Labcorp
Classification: Uncertain significance. Last evaluated: 2022-07-19. Review status: criteria provided, single submitter. Criteria: Invitae Variant Classification Sherloc (09022015). Collection method: clinical testing. Allele origin: germline.
Comment: This sequence change replaces threonine, which is neutral and polar, with serine, which is neutral and polar, at codon 1370 of the DOCK6 protein (p.Thr1370Ser). This variant is present in population databases (rs769751677, gnomAD 0.02%). This variant has not been reported in the literature in individuals affected with DOCK6-related conditions. Algorithms developed to predict the effect of missense changes on protein structure and function output the following: SIFT: "Tolerated"; PolyPhen-2: "Benign"; Align-GVGD: "Class C0". The serine amino acid residue is found in multiple mammalian species, which suggests that this missense change does not adversely affect protein function. In summary, the available evidence is currently insufficient to determine the role of this variant in disease. Therefore, it has been classified as a Variant of Uncertain Significance.

NM_020812.4(DOCK6):c.4108A>T (p.Thr1370Ser)

Genes: DOCK6 (dedicator of cytokinesis 6; minus strand), DOCK6-AS1 (DOCK6 antisense RNA 1; plus strand). Cytogenetic location: 19p13.2.
Variant type: single nucleotide variant.
Coding change: c.4108A>T on transcript NM_020812.4 (MANE Select); coding-DNA position 4108, A replaced by T.
Protein change: p.Thr1370Ser; replaces threonine 1370 with serine.
Molecular consequence: missense variant.
Genome position (GRCh38, 1-based): chr19:11,214,648, T>A on the plus strand (A>T on the coding strand, the complement: DOCK6 is on the minus strand). VCF-style: chr19-11214648-T-A. GRCh37 (hg19) VCF-style: chr19-11325324-T-A.
Other names: c.4213A>T, p.Thr1405Ser (NM_001367830.1); short protein forms T1370S, T1405S.
Identifiers: ClinVar variation 2202221 (VCV002202221.1), dbSNP rs769751677, ClinGen allele CA9206972.
Genomic context (GRCh38, chr19:11,214,648, plus strand): 5'-GGCTTGCCTCGGTTGCCAGGTTCCCTTCCACCAAGGCCTCGTGTTCCATTTCATCCTTGG[T>A]CCTGGAAGGGGAAAGGAGGTCTTGGGGGCCCACTCGGGGTGAGATCCTACTCCATGGCTG-3'
Protein context (NP_065863.2, residues 1360-1380): WKQTSDRVDK[Thr1370Ser]KDEMEHEALV